The following is an entry in ClinVar:

NM_001126108.2(SLC12A3):c.557G>A (p.Gly186Asp)

Gene: SLC12A3 (solute carrier family 12 member 3; plus strand). Cytogenetic location: 16q13.
Variant type: single nucleotide variant.
Coding change: c.557G>A on transcript NM_001126108.2 (MANE Select); coding-DNA position 557, G replaced by A.
Protein change: p.Gly186Asp; replaces glycine 186 with aspartic acid.
Molecular consequence: missense variant.
Genome position (GRCh38, 1-based): chr16:56,869,780, G>A. VCF-style: chr16-56869780-G-A. GRCh37 (hg19) VCF-style: chr16-56903692-G-A.
Other names: c.557G>A, p.Gly186Asp (NM_000339.3); c.554G>A, p.Gly185Asp (NM_001126107.2); short protein forms G186D, G185D.
Identifiers: ClinVar variation 562449 (VCV000562449.13), dbSNP rs759426055, ClinGen allele CA281496657.

ClinVar aggregate classification (germline): Pathogenic/Likely pathogenic. Review status: criteria provided, multiple submitters, no conflicts (2 of 4 stars). 7 submissions from 7 submitters: Pathogenic (2); Likely pathogenic (4). 1 of the submissions does not count toward it. Last evaluated 2025-11-05.

Conditions:
Familial hypokalemia-hypomagnesemia (GTLMNS). Also called: gitelman syndrome; HYPOMAGNESEMIA-HYPOKALEMIA, PRIMARY RENOTUBULAR, WITH HYPOCALCIURIA; POTASSIUM AND MAGNESIUM DEPLETION. Identifiers: Orphanet 358, MedGen C0268450, MONDO:0009904, OMIM 263800.
SLC12A3-related disorder. Also called: SLC12A3-related condition.

Allele frequency attached by ClinVar (database versions not stated): gnomAD 0.00001; TOPMed 0.00001.
gnomAD v4.1: 38 of 1,614,120 alleles (0.0024%); highest among the groups gnomAD compares: Non-Finnish European, 0.0032%; no homozygotes.

Submissions (7):

Nephrology, University of Crete, University General Hospital of Heraklion
Classification: Likely pathogenic for Familial hypokalemia-hypomagnesemia. Last evaluated: 2025-11-05. Review status: criteria provided, single submitter. Criteria: ACMG Guidelines, 2015. Collection method: clinical testing. Allele origin: unknown. Affected: yes.

Variantyx, Inc.
Classification: Likely pathogenic for Familial hypokalemia-hypomagnesemia. Last evaluated: 2025-09-16. Review status: criteria provided, single submitter. Criteria: Variantyx Assertion Criteria 2022. Collection method: clinical testing. Allele origin: germline. Inheritance: Autosomal recessive inheritance. Affected: no.
Comment: This is a nonsynonymous variant in the SLC12A3 gene (OMIM: 600968). Pathogenic variants in this gene have been associated with autosomal recessive Gitelman syndrome. This variant has been identified in the compound heterozygous state in at least 2 individuals reported in the published literature (PMID: 8900229, 31672324) (PM3_Strong). Multiple computational algorithms predict a deleterious effect for this variant (REVEL score: 0.824) (PP3). This variant has a 0.0034% maximum allele frequency in non-founder control populations (PM2). Based on the current evidence, this variant is classified as likely pathogenic for autosomal recessive Gitelman syndrome.A

Labcorp Genetics (formerly Invitae), Labcorp
Classification: Pathogenic. Last evaluated: 2025-06-29. Review status: criteria provided, single submitter. Criteria: Invitae Variant Classification Sherloc (09022015). Collection method: clinical testing. Allele origin: germline.
Comment: This sequence change replaces glycine, which is neutral and non-polar, with aspartic acid, which is acidic and polar, at codon 186 of the SLC12A3 protein (p.Gly186Asp). This variant is present in population databases (no rsID available, gnomAD 0.002%). This missense change has been observed in individual(s) with Gitelman syndrome (PMID: 8900229, 25422309, 31672324). In at least one individual the data is consistent with being in trans (on the opposite chromosome) from a pathogenic variant. ClinVar contains an entry for this variant (Variation ID: 562449). Invitae Evidence Modeling of protein sequence and biophysical properties (such as structural, functional, and spatial information, amino acid conservation, physicochemical variation, residue mobility, and thermodynamic stability) indicates that this missense variant is expected to disrupt SLC12A3 protein function with a positive predictive value of 95%. For these reasons, this variant has been classified as Pathogenic.

Natera, Inc.
Classification: Likely pathogenic for Gitelman syndrome. Last evaluated: 2025-03-03. Review status: criteria provided, single submitter. Criteria: Natera Variant Classification Schema (03/2026). Collection method: clinical testing. Allele origin: germline.
Comment: The c.557G>A variant in SLC12A3 is a missense variant predicted to cause substitution of glycine to aspartic acid at amino acid 186. This variant is rare in the general population with a frequency below the threshold expected for the associated phenotype(s). This variant has been observed in one or more individuals affected with the associated recessive disease, as either homozygous or compound heterozygous with a second variant (PMID: 31672324, 25422309, 22990302). Computational prediction algorithms indicate this variant is likely to affect gene or protein function. Given the available evidence, this variant is classified as Likely Pathogenic.

Blueprint Genetics
Classification: Pathogenic for SLC12A3-related disorders. Last evaluated: 2024-06-27. Review status: criteria provided, single submitter. Criteria: ACMG Guidelines, 2015. Collection method: clinical testing. Allele origin: germline. Affected: yes. Observed: 3 variant alleles.

European Hospital Georges Pompidou Genetics Department, Assistance Publique - Hôpitaux de Paris AP-HP
Classification: Likely pathogenic for Familial hypokalemia-hypomagnesemia. Last evaluated: 2022-04-27. Review status: criteria provided, single submitter. Criteria: ACMG Guidelines, 2015. Collection method: clinical testing. Allele origin: germline. Affected: yes.
Comment: ACMG criteria used:PM1, PM2, PM3, PP5

Gharavi Laboratory, Columbia University
Classification: Likely pathogenic. Last evaluated: 2018-09-16. Review status: no assertion criteria provided. Criteria: ACMG Guidelines, 2015. Collection method: research. Allele origin: germline. Affected: yes. Not counted in ClinVar's aggregate classification.

Literature cited by the submitters: PubMed 8900229 (cited by Variantyx, Inc. and Labcorp Genetics (formerly Invitae), Labcorp); PubMed 31672324 (cited by 3 submitters); PubMed 25422309 (cited by Labcorp Genetics (formerly Invitae), Labcorp and Natera, Inc.); PubMed 22990302 (cited by Natera, Inc.).